The following is an entry in ClinVar:

ClinVar aggregate classification (germline): Uncertain significance. Review status: criteria provided, multiple submitters, no conflicts (2 of 4 stars). 2 submissions from 2 submitters: Uncertain significance (2). Last evaluated 2026-03-10.

Conditions:
Inborn genetic diseases. Identifiers: MedGen C0950123, MeSH D030342.

Submissions (2):

Ambry Genetics
Classification: Uncertain significance for Inborn genetic diseases. Last evaluated: 2026-03-10. Review status: criteria provided, single submitter. Criteria: Ambry Variant Classification Scheme 2023. Collection method: clinical testing. Allele origin: germline.

Labcorp Genetics (formerly Invitae), Labcorp
Classification: Uncertain significance. Last evaluated: 2021-09-15. Review status: criteria provided, single submitter. Criteria: Invitae Variant Classification Sherloc (09022015). Collection method: clinical testing. Allele origin: germline.
Comment: This sequence change replaces tyrosine with cysteine at codon 613 of the PRPF8 protein (p.Tyr613Cys). The tyrosine residue is highly conserved and there is a large physicochemical difference between tyrosine and cysteine. This variant is not present in population databases (ExAC no frequency). In summary, the available evidence is currently insufficient to determine the role of this variant in disease. Therefore, it has been classified as a Variant of Uncertain Significance. Algorithms developed to predict the effect of missense changes on protein structure and function are either unavailable or do not agree on the potential impact of this missense change (SIFT: "Deleterious"; PolyPhen-2: "Probably Damaging"; Align-GVGD: "Class C0"). This variant has not been reported in the literature in individuals affected with PRPF8-related conditions.

NM_006445.4(PRPF8):c.1838A>G (p.Tyr613Cys)

Gene: PRPF8 (pre-mRNA processing factor 8; minus strand). Cytogenetic location: 17p13.3.
Variant type: single nucleotide variant.
Coding change: c.1838A>G on transcript NM_006445.4 (MANE Select); coding-DNA position 1838, A replaced by G.
Protein change: p.Tyr613Cys; replaces tyrosine 613 with cysteine.
Molecular consequence: missense variant.
Genome position (GRCh38, 1-based): chr17:1,678,534, T>C on the plus strand (A>G on the coding strand, the complement: PRPF8 is on the minus strand). VCF-style: chr17-1678534-T-C. GRCh37 (hg19) VCF-style: chr17-1581828-T-C.
Other names: c.1838A>G (NM_006445.3); short protein forms Y613C.
Identifiers: ClinVar variation 1381223 (VCV001381223.7), dbSNP rs2151129405, ClinGen allele CA397558093.
Genomic context (GRCh38, chr17:1,678,534, plus strand): 5'-ACTCTGTCTCAAAAAAAAGAAAGTCAGTAAAGTCAAGGTCTCACCGTGTTGAAACGATAA[T>C]AGATGAGATGCTTCAGGTCCTTGCACATGCGAATCTGTCGCATCAGCTTGTATTTGTATC-3'
Protein context (NP_006436.3, residues 603-623): RMCKDLKHLI[Tyr613Cys]YRFNTGPVGK